The following is an entry in ClinVar:

ClinVar aggregate classification (germline): Uncertain significance. Review status: criteria provided, multiple submitters, no conflicts (2 of 4 stars). 2 submissions from 2 submitters: Uncertain significance (2). Last evaluated 2026-01-26.

Allele frequency attached by ClinVar (database versions not stated): gnomAD 0.00001; TOPMed 0.00003.

Submissions (2):

Labcorp Genetics (formerly Invitae), Labcorp
Classification: Uncertain significance. Last evaluated: 2026-01-26. Review status: criteria provided, single submitter. Criteria: Invitae Variant Classification Sherloc (09022015). Collection method: clinical testing. Allele origin: germline.
Comment: This sequence change replaces alanine, which is neutral and non-polar, with threonine, which is neutral and polar, at codon 260 of the MKL1 protein (p.Ala260Thr). This variant is present in population databases (rs757570875, gnomAD 0.01%). This variant has not been reported in the literature in individuals affected with MKL1-related conditions. ClinVar contains an entry for this variant (Variation ID: 1683123). An algorithm developed to predict the effect of missense changes on protein structure and function (PolyPhen-2) suggests that this variant is likely to be disruptive. In summary, the available evidence is currently insufficient to determine the role of this variant in disease. Therefore, it has been classified as a Variant of Uncertain Significance.

Ambry Genetics
Classification: Uncertain significance. Last evaluated: 2022-06-24. Review status: criteria provided, single submitter. Criteria: Ambry Variant Classification Scheme 2023. Collection method: clinical testing. Allele origin: germline.

NM_020831.6(MRTFA):c.1078G>A (p.Ala360Thr)

Gene: MRTFA (myocardin related transcription factor A; minus strand). Cytogenetic location: 22q13.1.
Variant type: single nucleotide variant.
Coding change: c.1078G>A on transcript NM_020831.6 (MANE Select); coding-DNA position 1078, G replaced by A.
Protein change: p.Ala360Thr; replaces alanine 360 with threonine.
Molecular consequence: missense variant.
Genome position (GRCh38, 1-based): chr22:40,420,950, C>T on the plus strand (G>A on the coding strand, the complement: MRTFA is on the minus strand). VCF-style: chr22-40420950-C-T. GRCh37 (hg19) VCF-style: chr22-40816954-C-T.
Other names: c.778G>A, p.Ala260Thr (NM_001282660.2); c.928G>A, p.Ala310Thr (NM_001282661.3); c.1078G>A, p.Ala360Thr (NM_001282662.3); c.883G>A, p.Ala295Thr (NM_001318139.2); c.778G>A (NM_020831.3); short protein forms A260T, A295T, A310T, A360T.
Identifiers: ClinVar variation 1683123 (VCV001683123.9), dbSNP rs757570875, ClinGen allele CA10249797.